The following is an entry in ClinVar:

ClinVar aggregate classification (germline): Benign/Likely benign. Review status: criteria provided, multiple submitters, no conflicts (2 of 4 stars). 3 submissions from 3 submitters: Benign (1); Likely benign (2). Last evaluated 2025-03-04.

Allele frequency attached by ClinVar (database versions not stated): 1000 Genomes Project 0.01158; 1000 Genomes Project 30x 0.01359; gnomAD exomes 0.01756 and 0.02430; ExAC 0.01820; gnomAD 0.01821 and 0.01857; TOPMed 0.01950; ESP Exome Variant Server 0.02184.
gnomAD v4.1: 37,064 of 1,567,260 alleles (2.4%); highest among the groups gnomAD compares: Non-Finnish European, 2.9%; 546 homozygotes.

Submissions (3):

Center for Genomic Medicine, Rigshospitalet, Copenhagen University Hospital
Classification: Benign. Last evaluated: 2025-03-04. Review status: criteria provided, single submitter. Criteria: ACMG Guidelines, 2015. Collection method: clinical testing. Allele origin: germline.

GeneDx
Classification: Likely benign. Last evaluated: 2018-06-17. Review status: criteria provided, single submitter. Criteria: GeneDx Variant Classification (06012015). Collection method: clinical testing. Allele origin: germline. Affected: yes.
Comment: This variant is considered likely benign or benign based on one or more of the following criteria: it is a conservative change, it occurs at a poorly conserved position in the protein, it is predicted to be benign by multiple in silico algorithms, and/or has population frequency not consistent with disease.

Breakthrough Genomics
Classification: Likely benign. Review status: criteria provided, single submitter. Criteria: ACMG Guidelines, 2015. Collection method: not provided. Allele origin: germline. Inheritance: Autosomal recessive inheritance. Affected: yes.

NM_001354604.2(MITF):c.1031+31T>C

Gene: MITF (melanocyte inducing transcription factor; plus strand). Cytogenetic location: 3p13.
Variant type: single nucleotide variant.
Coding change: c.1031+31T>C on transcript NM_001354604.2 (MANE Select); 31 bases into the intron after coding-DNA position 1031, T replaced by C.
Molecular consequence: intron variant.
Genome position (GRCh38, 1-based): chr3:69,956,561, T>C. VCF-style: chr3-69956561-T-C. GRCh37 (hg19) VCF-style: chr3-70005712-T-C.
Other names: c.962+31T>C (NM_001354607.2); c.857+31T>C (NM_001354608.2, NM_001184967.2); c.1013+31T>C (NM_198159.3); c.1028+31T>C (NM_001354605.2); c.1010+31T>C (NM_001354606.2, NM_006722.3); c.965+31T>C (NM_198177.3); c.710+31T>C (NM_000248.4); c.692+31T>C (NM_198158.3); and 1 more.
Identifiers: ClinVar variation 677752 (VCV000677752.9), dbSNP rs55754687, ClinGen allele CA2490537.
Genomic context (GRCh38, chr3:69,956,561, plus strand): 5'-AGGTACTTTGATTCCCAAGTCAAATGATCCGTGAGTACAATCGCGTGTTAATCTGCATCA[T>C]ATATTTTTCGTACCTGAATGTTTTTTCATACGTTGTAAAAAATGCAGTTGTAAAAACTAA-3'